The following is an entry in ClinVar:

ClinVar aggregate classification (germline): Uncertain significance (1 of 4 stars; one submission).

Conditions:
Inborn genetic diseases. Identifiers: MedGen C0950123, MeSH D030342.

Submission:

Ambry Genetics
Classification: Uncertain significance for Inborn genetic diseases. Last evaluated: 2026-04-22. Review status: criteria provided, single submitter. Criteria: Ambry Variant Classification Scheme 2023. Collection method: clinical testing. Allele origin: germline.
Comment: The p.E757D variant (also known as c.2271A>C), located in coding exon 21 of the ANKRD26 gene, results from an A to C substitution at nucleotide position 2271. The glutamic acid at codon 757 is replaced by aspartic acid, an amino acid with highly similar properties. This amino acid position is conserved. In addition, this alteration is predicted to be tolerated by in silico analysis. Based on the available evidence, the clinical significance of this variant remains unclear.

NM_014915.3(ANKRD26):c.2271A>C (p.Glu757Asp)

Gene: ANKRD26 (ankyrin repeat domain 26; minus strand). Cytogenetic location: 10p12.1.
Variant type: single nucleotide variant.
Coding change: c.2271A>C on transcript NM_014915.3 (MANE Select); coding-DNA position 2271, A replaced by C.
Protein change: p.Glu757Asp; replaces glutamic acid 757 with aspartic acid.
Molecular consequence: missense variant.
Genome position (GRCh38, 1-based): chr10:27,040,069, T>G on the plus strand (A>C on the coding strand, the complement: ANKRD26 is on the minus strand). VCF-style: chr10-27040069-T-G. GRCh37 (hg19) VCF-style: chr10-27328998-T-G.
Other names: c.2268A>C, p.Glu756Asp (NM_001256053.2); short protein forms E756D, E757D.
Identifiers: ClinVar variation 4859446 (VCV004859446.1).
Genomic context (GRCh38, chr10:27,040,069, plus strand): 5'-TAACTGTGATTTTATTTCTTTTGTTTCAGATAGCTCCCTTTGTAGTACATTAACCTTGTC[T>G]TCCATTTTTTTAATTTTTACTGTAAGTAGTTCACAGTGATTTTTTTTAAGTTCTAATAAT-3'
Protein context (NP_055730.2, residues 747-767): ELLTVKIKKM[Glu757Asp]DKVNVLQREL